The following is an entry in ClinVar:

ClinVar aggregate classification (germline): Uncertain significance. Review status: criteria provided, multiple submitters, no conflicts (2 of 4 stars). 2 submissions from 2 submitters: Uncertain significance (2). Last evaluated 2024-10-31.

Allele frequency attached by ClinVar (database versions not stated): ESP Exome Variant Server 0.00008.
gnomAD v4.1: 21 of 1,614,076 alleles (0.0013%); highest among the groups gnomAD compares: South Asian, 0.0055%; 1 homozygote.

Submissions (2):

Blueprint Genetics
Classification: Uncertain significance. Last evaluated: 2024-10-31. Review status: criteria provided, single submitter. Criteria: ACMG Guidelines, 2015. Collection method: clinical testing. Allele origin: germline.

GeneDx
Classification: Uncertain significance. Last evaluated: 2023-10-03. Review status: criteria provided, single submitter. Criteria: GeneDx Variant Classification Process June 2021. Collection method: clinical testing. Allele origin: germline. Affected: yes.
Comment: In silico analysis supports that this missense variant does not alter protein structure/function; Has not been previously published as pathogenic or benign to our knowledge

NM_003383.5(VLDLR):c.232G>A (p.Val78Met)

Gene: VLDLR (very low density lipoprotein receptor; plus strand). Cytogenetic location: 9p24.2.
Variant type: single nucleotide variant.
Coding change: c.232G>A on transcript NM_003383.5 (MANE Select); coding-DNA position 232, G replaced by A.
Protein change: p.Val78Met; replaces valine 78 with methionine.
Molecular consequence: missense variant.
Genome position (GRCh38, 1-based): chr9:2,639,888, G>A. VCF-style: chr9-2639888-G-A. GRCh37 (hg19) VCF-style: chr9-2639888-G-A.
Other names: c.232G>A, p.Val78Met (NM_001018056.3, NM_001322225.2, NM_001322226.2); short protein forms V78M.
Identifiers: ClinVar variation 1311138 (VCV001311138.4), dbSNP rs367862086, ClinGen allele CA4964469.
Genomic context (GRCh38, chr9:2,639,888, plus strand): 5'-CAACTTTAACCCTTCAAATAAACGTTTGTAGTAAAGAAGACGTGTGCTGAATCTGACTTC[G>A]TGTGCAACAATGGCCAGTGTGTTCCCAGCCGATGGAAGTGTGATGGAGATCCTGACTGCG-3'
Protein context (NP_003374.3, residues 68-88): VKKTCAESDF[Val78Met]CNNGQCVPSR